The following is an entry in ClinVar:

ClinVar aggregate classification (germline): Uncertain significance. Review status: criteria provided, multiple submitters, no conflicts (2 of 4 stars). 2 submissions from 2 submitters: Uncertain significance (2). Last evaluated 2026-05-10.

Submissions (2):

Ambry Genetics
Classification: Uncertain significance. Last evaluated: 2026-05-10. Review status: criteria provided, single submitter. Criteria: Ambry Variant Classification Scheme 2023. Collection method: clinical testing. Allele origin: germline.

GeneDx
Classification: Uncertain significance. Last evaluated: 2022-04-27. Review status: criteria provided, single submitter. Criteria: GeneDx Variant Classification Process June 2021. Collection method: clinical testing. Allele origin: germline. Affected: yes.
Comment: Not observed at significant frequency in large population cohorts (gnomAD); In silico analysis supports that this missense variant has a deleterious effect on protein structure/function; Has not been previously published as pathogenic or benign to our knowledge

NM_021096.4(CACNA1I):c.2561T>A (p.Phe854Tyr)

Gene: CACNA1I (calcium voltage-gated channel subunit alpha1 I; plus strand). Cytogenetic location: 22q13.1.
Variant type: single nucleotide variant.
Coding change: c.2561T>A on transcript NM_021096.4 (MANE Select); coding-DNA position 2561, T replaced by A.
Protein change: p.Phe854Tyr; replaces phenylalanine 854 with tyrosine.
Molecular consequence: missense variant.
Genome position (GRCh38, 1-based): chr22:39,659,809, T>A. VCF-style: chr22-39659809-T-A. GRCh37 (hg19) VCF-style: chr22-40055814-T-A.
Other names: c.2456T>A, p.Phe819Tyr (NM_001003406.2); short protein forms F819Y, F854Y.
Identifiers: ClinVar variation 1712683 (VCV001712683.3), dbSNP rs2518160220, ClinGen allele CA411653696.